The following is an entry in ClinVar:

ClinVar aggregate classification (germline): Likely benign. Review status: criteria provided, multiple submitters, no conflicts (2 of 4 stars). 3 submissions from 3 submitters: Likely benign (3). Last evaluated 2025-12-27.

Conditions:
Hereditary cancer-predisposing syndrome. Also called: Tumor predisposition; Neoplastic Syndromes, Hereditary; Hereditary Cancer Syndrome; Hereditary neoplastic syndrome. Identifiers: Orphanet 140162, MedGen C0027672, MeSH D009386, MONDO:0015356.
Familial cancer of breast. Also called: BREAST CANCER, FAMILIAL; hereditary breast carcinoma; Hereditary breast cancer. Identifiers: Orphanet 227535, MedGen C0346153, MONDO:0016419, OMIM 114480. Disease mechanism: loss of function.
Ataxia-telangiectasia syndrome (AT). Also called: Ataxia-telangiectasia; Ataxia-telangiectasia, complementation group D; AT, COMPLEMENTATION GROUP C; LOUIS-BAR SYNDROME; Cerebello-oculocutaneous telangiectasia; Immunodeficiency with ataxia telangiectasia. Identifiers: Orphanet 100, MedGen C0004135, MONDO:0008840, OMIM 208900.

Allele frequency attached by ClinVar (database versions not stated): TOPMed 0.00001; ExAC 0.00002; gnomAD exomes 0.00002; 1000 Genomes Project 0.00020; 1000 Genomes Project 30x 0.00031.
gnomAD v4.1: 3 of 1,612,978 alleles (0.00019%); highest among the groups gnomAD compares: East Asian, 0.0067%; no homozygotes.

Submissions (3):

Labcorp Genetics (formerly Invitae), Labcorp
Classification: Likely benign for Ataxia-telangiectasia syndrome. Last evaluated: 2025-12-27. Review status: criteria provided, single submitter. Criteria: Invitae Variant Classification Sherloc (09022015). Collection method: clinical testing. Allele origin: germline.

Myriad Genetics, Inc.
Classification: Likely benign for Familial cancer of breast. Last evaluated: 2024-05-10. Review status: criteria provided, single submitter. Criteria: Myriad Autosomal Dominant, Autosomal Recessive and X-Linked Classification Criteria (2023). Collection method: clinical testing. Allele origin: unknown.
Comment: This variant is considered likely benign. This variant is intronic and is not expected to impact mRNA splicing.

Color Diagnostics, LLC DBA Color Health
Classification: Likely benign for Hereditary cancer-predisposing syndrome. Last evaluated: 2017-01-16. Review status: criteria provided, single submitter. Criteria: ACMG Guidelines, 2015. Collection method: clinical testing. Allele origin: germline.

NM_000051.4(ATM):c.2922-8T>C

Gene: ATM (ATM serine/threonine kinase; plus strand). Cytogenetic location: 11q22.3.
Variant type: single nucleotide variant.
Coding change: c.2922-8T>C on transcript NM_000051.4 (MANE Select); 8 bases into the intron before coding-DNA position 2922, T replaced by C.
Molecular consequence: intron variant.
Genome position (GRCh38, 1-based): chr11:108,271,243, T>C. VCF-style: chr11-108271243-T-C. GRCh37 (hg19) VCF-style: chr11-108141970-T-C.
Other names: c.2922-8T>C (NM_001351834.2).
Identifiers: ClinVar variation 490505 (VCV000490505.13), dbSNP rs545892367, ClinGen allele CA6265157.